The following is an entry in ClinVar:

NM_021814.5(ELOVL5):c.246+3865G>T

Gene: ELOVL5 (ELOVL fatty acid elongase 5; minus strand). Cytogenetic location: 6p12.1.
Variant type: single nucleotide variant.
Coding change: c.246+3865G>T on transcript NM_021814.5 (MANE Select); 3865 bases into the intron after coding-DNA position 246, G replaced by T.
Molecular consequence: intron variant. On other transcripts: missense variant (1).
Genome position (GRCh38, 1-based): chr6:53,287,911, C>A on the plus strand (G>T on the coding strand, the complement: ELOVL5 is on the minus strand). VCF-style: chr6-53287911-C-A. GRCh37 (hg19) VCF-style: chr6-53152709-C-A.
Other names: c.278G>T (NM_001242828.1); c.278G>T, p.Cys93Phe (NM_001242828.2); c.246+3865G>T (NM_001242830.2, NM_001301856.2); short protein forms C93F.
Identifiers: ClinVar variation 2656647 (VCV002656647.25), dbSNP rs1028445166, ClinGen allele CA139056404.
Genomic context (GRCh38, chr6:53,287,911, plus strand): 5'-ACAACACTGACCCTGTTTTCTGGCAGCTGCTGCTGAGTCGAAGGATCAGTTCGTGAGGCA[C>A]AGGCAGATCGACGGGGTTGCTCCCTTTTGGACTGTAACAAACACAATTAGATCCTCTCTG-3'

ClinVar aggregate classification (germline): Conflicting classifications of pathogenicity. Review status: criteria provided, conflicting classifications (1 of 4 stars). 2 submissions from 2 submitters: Uncertain significance (1); Likely benign (1). Last evaluated 2024-09-10.

Conditions:
Inborn genetic diseases. Identifiers: MedGen C0950123, MeSH D030342.

Allele frequency attached by ClinVar (database versions not stated): gnomAD 0.00009; TOPMed 0.00011.
gnomAD v4.1: 289 of 1,535,580 alleles (0.019%); highest among the groups gnomAD compares: Non-Finnish European, 0.024%; 1 homozygote.

Submissions (2):

Ambry Genetics
Classification: Uncertain significance for Inborn genetic diseases. Last evaluated: 2024-09-10. Review status: criteria provided, single submitter. Criteria: Ambry Variant Classification Scheme 2023. Collection method: clinical testing. Allele origin: germline.

CeGaT Center for Human Genetics Tuebingen
Classification: Likely benign. Last evaluated: 2023-07-01. Review status: criteria provided, single submitter. Criteria: CeGaT Center For Human Genetics Tuebingen Variant Classification Criteria Version 2. Collection method: clinical testing. Allele origin: germline. Affected: yes. Observed: 1 variant allele.
Comment: ELOVL5: BP4